The following is an entry in ClinVar:

NM_004387.4(NKX2-5):c.811A>C (p.Thr271Pro)

Gene: NKX2-5 (NK2 homeobox 5; minus strand). Cytogenetic location: 5q35.1.
Variant type: single nucleotide variant.
Coding change: c.811A>C on transcript NM_004387.4 (MANE Select); coding-DNA position 811, A replaced by C.
Protein change: p.Thr271Pro; replaces threonine 271 with proline.
Molecular consequence: missense variant. On other transcripts: 3 prime UTR variant (2).
Genome position (GRCh38, 1-based): chr5:173,232,733, T>G on the plus strand (A>C on the coding strand, the complement: NKX2-5 is on the minus strand). VCF-style: chr5-173232733-T-G. GRCh37 (hg19) VCF-style: chr5-172659736-T-G.
Other names: c.*764A>C (NM_001166175.2); c.*610A>C (NM_001166176.2); short protein forms T271P.
Identifiers: ClinVar variation 3299922 (VCV003299922.1).

ClinVar aggregate classification (germline): Uncertain significance (1 of 4 stars; one submission).

Conditions:
Cardiovascular phenotype. Identifiers: MedGen CN230736.

Submission:

Ambry Genetics
Classification: Uncertain significance for Cardiovascular phenotype. Last evaluated: 2024-04-13. Review status: criteria provided, single submitter. Criteria: Ambry Variant Classification Scheme 2023. Collection method: clinical testing. Allele origin: germline.
Comment: The p.T271P variant (also known as c.811A>C), located in coding exon 2 of the NKX2-5 gene, results from an A to C substitution at nucleotide position 811. The threonine at codon 271 is replaced by proline, an amino acid with highly similar properties. This amino acid position is conserved. In addition, this alteration is predicted to be tolerated by in silico analysis. Based on the available evidence, the clinical significance of this variant remains unclear.